The following is an entry in ClinVar:

ClinVar aggregate classification (germline): Uncertain significance (1 of 4 stars; one submission).

Conditions:
Epileptic encephalopathy. Identifiers: MedGen C0543888, HP:0200134.

Allele frequency attached by ClinVar (database versions not stated): gnomAD exomes below 0.00001.
gnomAD v4.1: 1 of 1,611,390 alleles (0.000062%); highest among the groups gnomAD compares: South Asian, 0.0011%; no homozygotes.

Submission:

Labcorp Genetics (formerly Invitae), Labcorp
Classification: Uncertain significance for Epileptic encephalopathy. Last evaluated: 2024-01-08. Review status: criteria provided, single submitter. Criteria: Invitae Variant Classification Sherloc (09022015). Collection method: clinical testing. Allele origin: germline.
Comment: This sequence change replaces isoleucine, which is neutral and non-polar, with valine, which is neutral and non-polar, at codon 894 of the FASN protein (p.Ile894Val). This variant is not present in population databases (gnomAD no frequency). This missense change has been observed in individual(s) with autism spectrum disorder (PMID: 28714951, 35982159). ClinVar contains an entry for this variant (Variation ID: 1421206). An algorithm developed to predict the effect of missense changes on protein structure and function (PolyPhen-2) suggests that this variant is likely to be tolerated. In summary, the available evidence is currently insufficient to determine the role of this variant in disease. Therefore, it has been classified as a Variant of Uncertain Significance.

Literature cited by the submitters: PubMed 28714951; PubMed 35982159.

NM_004104.5(FASN):c.2680A>G (p.Ile894Val)

Gene: FASN (fatty acid synthase; minus strand). Cytogenetic location: 17q25.3.
Variant type: single nucleotide variant.
Coding change: c.2680A>G on transcript NM_004104.5 (MANE Select); coding-DNA position 2680, A replaced by G.
Protein change: p.Ile894Val; replaces isoleucine 894 with valine.
Molecular consequence: missense variant.
Genome position (GRCh38, 1-based): chr17:82,088,221, T>C on the plus strand (A>G on the coding strand, the complement: FASN is on the minus strand). VCF-style: chr17-82088221-T-C. GRCh37 (hg19) VCF-style: chr17-80046097-T-C.
Other names: short protein forms I894V.
Identifiers: ClinVar variation 1421206 (VCV001421206.8), dbSNP rs2034140090, ClinGen allele CA401555982.